The following is an entry in ClinVar:

NM_000455.5(STK11):c.375-7_375-6del

Gene: STK11 (serine/threonine kinase 11; plus strand). Cytogenetic location: 19p13.3.
Variant type: Microsatellite.
Coding change: c.375-7_375-6del on transcript NM_000455.5 (MANE Select); 7 bases into the intron before coding-DNA position 375 through 6 bases into the intron before coding-DNA position 375, 2 bases deleted (GC; older notation c.375-7_375-6delGC).
Molecular consequence: intron variant.
Genome position (GRCh38, 1-based): chr19:1,219,317-1,219,318, GC deleted; deleting any 2 consecutive bases within chr19:1,219,315-1,219,318 gives the same sequence; the c. name uses the placement nearest the transcript's 3' end. VCF-style (leftmost placement, unchanged base first): chr19-1219314-AGC-A. GRCh37 (hg19) VCF-style: chr19-1219313-AGC-A.
Other names: c.375-7_375-6delGC (NM_000455.4).
Identifiers: ClinVar variation 952489 (VCV000952489.13), dbSNP rs2080765043, ClinGen allele CA2317589049.
Genomic context (GRCh38, chr19:1,219,314, plus strand): 5'-TTCTGGCCCCCGTGCTCCCTGGGCCTGTGAGTGGGGCCGCCCCCTGAGCTGTGTGTCCTT[AGC>A]GCCCCACGTATATGGTGATGGAGTACTGCGTGTGTGGCATGCAGGAAATGCTGGACAGCG-3'

ClinVar aggregate classification (germline): Conflicting classifications of pathogenicity. Review status: criteria provided, conflicting classifications (1 of 4 stars). 2 submissions from 2 submitters: Likely pathogenic (1); Uncertain significance (1). Last evaluated 2025-02-18.

Conditions:
Hereditary cancer-predisposing syndrome. Also called: Hereditary neoplastic syndrome; Tumor predisposition; Neoplastic Syndromes, Hereditary; Hereditary Cancer Syndrome. Identifiers: Orphanet 140162, MedGen C0027672, MeSH D009386, MONDO:0015356.
Peutz-Jeghers syndrome (PJS). Also called: POLYPOSIS, HAMARTOMATOUS INTESTINAL; POLYPS-AND-SPOTS SYNDROME; Peutz-Jeghers polyposis; Periorificial lentiginosis syndrome. Identifiers: Orphanet 2869, MedGen C0031269, MeSH D010580, MONDO:0008280, OMIM 175200.

Submissions (2):

Ambry Genetics
Classification: Likely pathogenic for Hereditary cancer-predisposing syndrome. Last evaluated: 2025-02-18. Review status: criteria provided, single submitter. Criteria: Ambry Variant Classification Scheme 2023. Collection method: clinical testing. Allele origin: germline.
Comment: The c.375-7_375-6delGC intronic variant, located in intron 2 of the STK11 gene, results from a deletion of two nucleotides within intron 2 of the STK11 gene. These nucleotide positions are not well conserved in available vertebrate species. This alteration is located within a U12-type intron and in silico tools are not reliable predictors of splice sites in this type of intron. RNA studies have demonstrated that this alteration results in abnormal splicing in the set of samples tested (Ambry internal data). This variant is considered to be rare based on population cohorts in the Genome Aggregation Database (gnomAD). Based on the majority of available evidence to date, this variant is likely to be pathogenic.

Labcorp Genetics (formerly Invitae), Labcorp
Classification: Uncertain significance for Peutz-Jeghers syndrome. Last evaluated: 2019-05-14. Review status: criteria provided, single submitter. Criteria: Invitae Variant Classification Sherloc (09022015). Collection method: clinical testing. Allele origin: germline.
Comment: This sequence change falls in intron 2 of the STK11 gene. It does not directly change the encoded amino acid sequence of the STK11 protein. In summary, the available evidence is currently insufficient to determine the role of this variant in disease. Therefore, it has been classified as a Variant of Uncertain Significance. Algorithms developed to predict the effect of sequence changes on RNA splicing suggest that this variant is not likely to affect RNA splicing, but this prediction has not been confirmed by published transcriptional studies. This variant is not present in population databases (ExAC no frequency).